The following is an entry in ClinVar:

NM_001114753.3(ENG):c.219+4_219+7del

Gene: ENG (endoglin; minus strand). Cytogenetic location: 9q34.11.
Variant type: Deletion.
Coding change: c.219+4_219+7del on transcript NM_001114753.3 (MANE Select); bases 4 to 7 of the intron after coding-DNA position 219, 4 bases deleted (AGTG; older notation c.219+4_219+7delAGTG).
Molecular consequence: splice donor variant.
Genome position (GRCh38, 1-based): chr9:127,843,087-127,843,090, CACT deleted on the plus strand (AGTG on the coding strand, the reverse complement: ENG is on the minus strand); deleting any 4 consecutive bases within chr9:127,843,087-127,843,093 gives the same sequence; the c. name uses the placement nearest the transcript's 3' end. VCF-style (leftmost placement, unchanged base first): chr9-127843086-ACACT-A. GRCh37 (hg19) VCF-style: chr9-130605365-ACACT-A.
Other names: c.219+4_219+7del (NM_000118.4, NM_001406715.1); c.-328+4_-328+7del (NM_001278138.2).
Identifiers: ClinVar variation 2120305 (VCV002120305.4), dbSNP rs1831079386, ClinGen allele CA2580079601.

ClinVar aggregate classification (germline): Pathogenic (1 of 4 stars; one submission).

Conditions:
Hereditary hemorrhagic telangiectasia (HHT). Also called: ORW DISEASE; Osler Weber Rendu syndrome; OSLER-RENDU-WEBER DISEASE; Osler hemorrhagic telangiectasia syndrome. Identifiers: Orphanet 774, MedGen C0039445, MONDO:0019180. Disease mechanism: loss of function.

Submission:

Labcorp Genetics (formerly Invitae), Labcorp
Classification: Pathogenic for Hereditary hemorrhagic telangiectasia. Last evaluated: 2022-09-01. Review status: criteria provided, single submitter. Criteria: Invitae Variant Classification Sherloc (09022015). Collection method: clinical testing. Allele origin: germline.
Comment: For these reasons, this variant has been classified as Pathogenic. This variant disrupts the c.219+5G nucleotide in the ENG gene. Other variant(s) that disrupt this nucleotide have been determined to be pathogenic (PMID: 12673790; Invitae). This suggests that this nucleotide is clinically significant, and that variants that disrupt this position are likely to be disease-causing. Variants that disrupt the consensus splice site are a relatively common cause of aberrant splicing (PMID: 17576681, 9536098). Algorithms developed to predict the effect of sequence changes on RNA splicing suggest that this variant may disrupt the consensus splice site. This variant has been observed in individual(s) with clinical features of hereditary hemorrhagic telangiectasia (Invitae). In at least one individual the variant was observed to be de novo. This variant is not present in population databases (gnomAD no frequency). This sequence change falls in intron 2 of the ENG gene. It does not directly change the encoded amino acid sequence of the ENG protein. It affects a nucleotide within the consensus splice site.

Literature cited by the submitters: PubMed 12673790; PubMed 17576681; PubMed 9536098.